The following is an entry in ClinVar:

ClinVar aggregate classification (germline): Uncertain significance. Review status: criteria provided, multiple submitters, no conflicts (2 of 4 stars). 2 submissions from 2 submitters: Uncertain significance (2). Last evaluated 2026-01-12.

Conditions:
Inborn genetic diseases. Identifiers: MedGen C0950123, MeSH D030342.
Amyotrophic lateral sclerosis type 21. Also called: VOCAL CORD AND PHARYNGEAL DYSFUNCTION WITH DISTAL MYOPATHY; MYOPATHY, DISTAL, 2. Identifiers: Orphanet 600, Orphanet 803, MedGen C3807521, MONDO:0011632, OMIM 606070.

Allele frequency attached by ClinVar (database versions not stated): gnomAD 0.00001; gnomAD exomes 0.00001 and 0.00003; ExAC 0.00002.
gnomAD v4.1: 25 of 1,614,056 alleles (0.0015%); highest among the groups gnomAD compares: South Asian, 0.0088%; no homozygotes.

Submissions (2):

Labcorp Genetics (formerly Invitae), Labcorp
Classification: Uncertain significance for Amyotrophic lateral sclerosis type 21. Last evaluated: 2026-01-12. Review status: criteria provided, single submitter. Criteria: Invitae Variant Classification Sherloc (09022015). Collection method: clinical testing. Allele origin: germline.
Comment: This sequence change replaces isoleucine, which is neutral and non-polar, with valine, which is neutral and non-polar, at codon 86 of the MATR3 protein (p.Ile86Val). This variant is present in population databases (rs201277902, gnomAD 0.01%). This variant has not been reported in the literature in individuals affected with MATR3-related conditions. ClinVar contains an entry for this variant (Variation ID: 1388502). Invitae Evidence Modeling of protein sequence and biophysical properties (such as structural, functional, and spatial information, amino acid conservation, physicochemical variation, residue mobility, and thermodynamic stability) indicates that this missense variant is not expected to disrupt MATR3 protein function with a negative predictive value of 80%. In summary, the available evidence is currently insufficient to determine the role of this variant in disease. Therefore, it has been classified as a Variant of Uncertain Significance.

Ambry Genetics
Classification: Uncertain significance for Inborn genetic diseases. Last evaluated: 2022-05-11. Review status: criteria provided, single submitter. Criteria: Ambry Variant Classification Scheme 2023. Collection method: clinical testing. Allele origin: germline.

NM_018834.6(MATR3):c.256A>G (p.Ile86Val)

Gene: MATR3 (matrin 3; plus strand). Cytogenetic location: 5q31.2.
Variant type: single nucleotide variant.
Coding change: c.256A>G on transcript NM_018834.6 (MANE Select); coding-DNA position 256, A replaced by G.
Protein change: p.Ile86Val; replaces isoleucine 86 with valine.
Molecular consequence: missense variant. On other transcripts: intron variant (2).
Genome position (GRCh38, 1-based): chr5:139,307,671, A>G. VCF-style: chr5-139307671-A-G. GRCh37 (hg19) VCF-style: chr5-138643360-A-G.
Other names: c.256A>G, p.Ile86Val (NM_001194954.2, NM_001194955.2, NM_199189.3); c.-102-7004A>G (NM_001282278.2); c.49-7004A>G (NM_001194956.2); c.256A>G (NM_199189.2); short protein forms I86V.
Identifiers: ClinVar variation 1388502 (VCV001388502.9), dbSNP rs201277902, ClinGen allele CA3432886.
Genomic context (GRCh38, chr5:139,307,671, plus strand): 5'-CAACAAGGAGCTCATAGTGCACTGTCTTCTGCTAGTACTTCTTCCCATAATTTGCAGTCT[A>G]TATTTAACATTGGAAGTAGAGGTCCACTCCCTTTATCTTCTCAACACCGTGGAGATGCAG-3'
Protein context (NP_061322.2, residues 76-96): ASTSSHNLQS[Ile86Val]FNIGSRGPLP